The following is an entry in ClinVar:

ClinVar aggregate classification (germline): Uncertain significance. Review status: criteria provided, multiple submitters, no conflicts (2 of 4 stars). 2 submissions from 2 submitters: Uncertain significance (2). Last evaluated 2024-12-20.

Conditions:
Dyskeratosis congenita. Identifiers: Orphanet 1775, MedGen C0265965, MONDO:0015780.

Submissions (2):

Dasa
Classification: Uncertain significance. Last evaluated: 2024-12-20. Review status: criteria provided, single submitter. Criteria: DASA Assertion Criteria. Collection method: clinical testing. Allele origin: germline.
Comment: NM_001099274.3(TINF2):c.1070_1078dup (p.Leu357_Cys359dup) is an in-frame duplication predicted to duplicate amino acids from leucine at protein position 357 through cysteine at protein position 359 without shifting the reading frame. This variant is absent from population databases. The currently available literature and clinical evidence are not sufficient to establish a definitive association between this variant and the reported condition. Therefore, this variant is classified as a variant of uncertain significance.

Labcorp Genetics (formerly Invitae), Labcorp
Classification: Uncertain significance for Dyskeratosis congenita. Last evaluated: 2024-04-15. Review status: criteria provided, single submitter. Criteria: Invitae Variant Classification Sherloc (09022015). Collection method: clinical testing. Allele origin: germline.
Comment: This variant, c.1070_1078dup, results in the insertion of 3 amino acid(s) of the TINF2 protein (p.Leu357_Cys359dup), but otherwise preserves the integrity of the reading frame. This variant is not present in population databases (gnomAD no frequency). This variant has not been reported in the literature in individuals affected with TINF2-related conditions. In summary, the available evidence is currently insufficient to determine the role of this variant in disease. Therefore, it has been classified as a Variant of Uncertain Significance.

NM_001099274.3(TINF2):c.1070_1078dup (p.Cys359_Tyr360insLeuAspCys)

Gene: TINF2 (TERF1 interacting nuclear factor 2; minus strand). Cytogenetic location: 14q12.
Variant type: Duplication.
Coding change: c.1070_1078dup on transcript NM_001099274.3 (MANE Select); coding-DNA positions 1070 to 1078, 9 bases duplicated (TGGATTGCT; older notation c.1070_1078dupTGGATTGCT).
Protein change: p.Cys359_Tyr360insLeuAspCys.
Molecular consequence: inframe insertion. On other transcripts: 3 prime UTR variant (1).
Genome position (GRCh38, 1-based): chr14:24,240,314-24,240,322, AGCAATCCA duplicated on the plus strand (TGGATTGCT on the coding strand, the reverse complement: TINF2 is on the minus strand); duplicating any 9 consecutive bases within chr14:24,240,314-24,240,328 gives the same sequence; the c. name uses the placement nearest the transcript's 3' end. VCF-style (leftmost placement, unchanged base first): chr14-24240313-T-TAGCAATCCA. GRCh37 (hg19) VCF-style: chr14-24709519-T-TAGCAATCCA.
Other names: c.965_973dup, p.Cys324_Tyr325insLeuAspCys (NM_001363668.2); c.*93_*101dup (NM_012461.3).
Identifiers: ClinVar variation 2730584 (VCV002730584.5), dbSNP rs2040543151, ClinGen allele CA2123848942.
Genomic context (GRCh38, chr14:24,240,313, plus strand): 5'-GACTACCTACCTGGCTTCCTGGCCCTAGGAGGTAATAATGATAGTCTCAGGGGGTCCATG[T>TAGCAATCCA]AGCAATCCAAGCAATTCCTGAGGTGAGAGCAAGCAAAGAGGATAGGATGAAGGGAAGGCA-3'